The following is an entry in ClinVar:

ClinVar aggregate classification (germline): Uncertain significance (1 of 4 stars; one submission).

Submission:

Labcorp Genetics (formerly Invitae), Labcorp
Classification: Uncertain significance. Last evaluated: 2019-12-24. Review status: criteria provided, single submitter. Criteria: Invitae Variant Classification Sherloc (09022015). Collection method: clinical testing. Allele origin: germline.
Comment: In summary, the available evidence is currently insufficient to determine the role of this variant in disease. Therefore, it has been classified as a Variant of Uncertain Significance. Algorithms developed to predict the effect of sequence changes on RNA splicing suggest that this variant may disrupt the consensus splice site, but this prediction has not been confirmed by published transcriptional studies. This variant has not been reported in the literature in individuals with PDE6A-related conditions. This variant is not present in population databases (ExAC no frequency). This sequence change falls in intron 16 of the PDE6A gene. It does not directly change the encoded amino acid sequence of the PDE6A protein.

NM_000440.3(PDE6A):c.2028-10T>G

Gene: PDE6A (phosphodiesterase 6A; minus strand). Cytogenetic location: 5q32.
Variant type: single nucleotide variant.
Coding change: c.2028-10T>G on transcript NM_000440.3 (MANE Select); 10 bases into the intron before coding-DNA position 2028, T replaced by G.
Molecular consequence: intron variant.
Genome position (GRCh38, 1-based): chr5:149,883,546, A>C on the plus strand (T>G on the coding strand, the complement: PDE6A is on the minus strand). VCF-style: chr5-149883546-A-C. GRCh37 (hg19) VCF-style: chr5-149263109-A-C.
Identifiers: ClinVar variation 851560 (VCV000851560.8), dbSNP rs766797276, ClinGen allele CA916082786.